The following is an entry in ClinVar:

NM_001429.4(EP300):c.3799C>T (p.Pro1267Ser)

Gene: EP300 (EP300 lysine acetyltransferase; plus strand). Cytogenetic location: 22q13.2.
Variant type: single nucleotide variant.
Coding change: c.3799C>T on transcript NM_001429.4 (MANE Select); coding-DNA position 3799, C replaced by T.
Protein change: p.Pro1267Ser; replaces proline 1267 with serine.
Molecular consequence: missense variant.
Genome position (GRCh38, 1-based): chr22:41,164,123, C>T. VCF-style: chr22-41164123-C-T. GRCh37 (hg19) VCF-style: chr22-41560127-C-T.
Other names: c.3721C>T, p.Pro1241Ser (NM_001362843.2); short protein forms P1241S, P1267S.
Identifiers: ClinVar variation 4888060 (VCV004888060.1).

ClinVar aggregate classification (germline): Uncertain significance (1 of 4 stars; one submission).

gnomAD v4.1: 2 of 1,613,792 alleles (0.00012%); highest among the groups gnomAD compares: South Asian, 0.0011%; no homozygotes.

Submission:

GeneDx
Classification: Uncertain significance. Last evaluated: 2026-02-10. Review status: criteria provided, single submitter. Criteria: GeneDx Variant Classification Process June 2021. Collection method: clinical testing. Allele origin: germline.
Comment: Not observed at significant frequency in large population cohorts (gnomAD); In silico analysis supports that this missense variant has a deleterious effect on protein structure/function; Has not been previously published as pathogenic or benign to our knowledge